The following is an entry in ClinVar:

NM_000742.4(CHRNA2):c.925G>A (p.Val309Ile)

Gene: CHRNA2 (cholinergic receptor nicotinic alpha 2 subunit; minus strand). Cytogenetic location: 8p21.2.
Variant type: single nucleotide variant.
Coding change: c.925G>A on transcript NM_000742.4 (MANE Select); coding-DNA position 925, G replaced by A.
Protein change: p.Val309Ile; replaces valine 309 with isoleucine.
Molecular consequence: missense variant.
Genome position (GRCh38, 1-based): chr8:27,463,518, C>T on the plus strand (G>A on the coding strand, the complement: CHRNA2 is on the minus strand). VCF-style: chr8-27463518-C-T. GRCh37 (hg19) VCF-style: chr8-27321035-C-T.
Other names: c.880G>A, p.Val294Ile (NM_001282455.2); c.448G>A, p.Val150Ile (NM_001347705.2, NM_001347706.2); c.331G>A, p.Val111Ile (NM_001347707.2, NM_001347708.2); short protein forms V111I, V294I, V309I, V150I.
Identifiers: ClinVar variation 839582 (VCV000839582.6), dbSNP rs755014350, ClinGen allele CA4689571.

ClinVar aggregate classification (germline): Uncertain significance (1 of 4 stars; one submission).

Conditions:
Familial sleep-related hypermotor epilepsy. Also called: Autosomal Dominant Sleep-Related Hypermotor (Hyperkinetic) Epilepsy. Identifiers: Orphanet 98784, MedGen C3696898, MONDO:0000030.

Allele frequency attached by ClinVar (database versions not stated): TOPMed below 0.00001; gnomAD 0.00001.
gnomAD v4.1: 8 of 1,614,044 alleles (0.0005%); highest among the groups gnomAD compares: East Asian, 0.0022%; no homozygotes.

Submission:

Labcorp Genetics (formerly Invitae), Labcorp
Classification: Uncertain significance. Last evaluated: 2022-03-15. Review status: criteria provided, single submitter. Criteria: Invitae Variant Classification Sherloc (09022015). Collection method: clinical testing. Allele origin: germline.
Comment: In summary, the available evidence is currently insufficient to determine the role of this variant in disease. Therefore, it has been classified as a Variant of Uncertain Significance. Algorithms developed to predict the effect of missense changes on protein structure and function (SIFT, PolyPhen-2, Align-GVGD) all suggest that this variant is likely to be disruptive. ClinVar contains an entry for this variant (Variation ID: 839582). This variant has not been reported in the literature in individuals affected with CHRNA2-related conditions. This variant is present in population databases (rs755014350, gnomAD 0.003%). This sequence change replaces valine, which is neutral and non-polar, with isoleucine, which is neutral and non-polar, at codon 309 of the CHRNA2 protein (p.Val309Ile).